The following is an entry in ClinVar:

NM_021625.5(TRPV4):c.1971C>A (p.Tyr657Ter)

Gene: TRPV4 (transient receptor potential cation channel subfamily V member 4; minus strand). Cytogenetic location: 12q24.11.
Variant type: single nucleotide variant.
Coding change: c.1971C>A on transcript NM_021625.5 (MANE Select); coding-DNA position 1971, C replaced by A.
Protein change: p.Tyr657Ter; replaces tyrosine 657 with a stop codon.
Molecular consequence: nonsense.
Genome position (GRCh38, 1-based): chr12:109,788,637, G>T on the plus strand (C>A on the coding strand, the complement: TRPV4 is on the minus strand). VCF-style: chr12-109788637-G-T. GRCh37 (hg19) VCF-style: chr12-110226442-G-T.
Other names: c.1791C>A, p.Tyr597Ter (NM_147204.3); c.1830C>A, p.Tyr610Ter (NM_001177428.2); c.1869C>A, p.Tyr623Ter (NM_001177431.2); c.1650C>A, p.Tyr550Ter (NM_001177433.2); short protein forms Y550*, Y597*, Y657*, Y610*, Y623*.
Identifiers: ClinVar variation 1463485 (VCV001463485.5), dbSNP rs1951172791, ClinGen allele CA386650951.

ClinVar aggregate classification (germline): Uncertain significance (1 of 4 stars; one submission).

Conditions:
Charcot-Marie-Tooth disease axonal type 2C (HMSN2C). Also called: CHARCOT-MARIE-TOOTH DISEASE, AXONAL, AUTOSOMAL DOMINANT, TYPE 2C; Charcot-Marie-Tooth Neuropathy Type 2C; Charcot-Marie-Tooth Disease Type 2, TRPV4-Related (CMT2C). Identifiers: Orphanet 99937, MedGen C1853710, MONDO:0011633, OMIM 606071.

Allele frequency attached by ClinVar (database versions not stated): gnomAD exomes below 0.00001.
gnomAD v4.1: 1 of 1,614,246 alleles (0.000062%); highest among the groups gnomAD compares: Admixed American, 0.0017%; no homozygotes.

Submission:

Labcorp Genetics (formerly Invitae), Labcorp
Classification: Uncertain significance for Charcot-Marie-Tooth disease axonal type 2C. Last evaluated: 2022-03-20. Review status: criteria provided, single submitter. Criteria: Invitae Variant Classification Sherloc (09022015). Collection method: clinical testing. Allele origin: germline.
Comment: This variant is not present in population databases (gnomAD no frequency). In summary, the available evidence is currently insufficient to determine the role of this variant in disease. Therefore, it has been classified as a Variant of Uncertain Significance. This variant has not been reported in the literature in individuals affected with TRPV4-related conditions. This sequence change creates a premature translational stop signal (p.Tyr657*) in the TRPV4 gene. It is expected to result in an absent or disrupted protein product. However, the current clinical and genetic evidence is not sufficient to establish whether loss-of-function variants in TRPV4 cause disease.